The following is an entry in ClinVar:

ClinVar aggregate classification (germline): Pathogenic (1 of 4 stars; one submission).

Submission:

Labcorp Genetics (formerly Invitae), Labcorp
Classification: Pathogenic. Last evaluated: 2023-11-09. Review status: criteria provided, single submitter. Criteria: Invitae Variant Classification Sherloc (09022015). Collection method: clinical testing. Allele origin: germline.
Comment: This sequence change creates a premature translational stop signal (p.Tyr740*) in the VLDLR gene. It is expected to result in an absent or disrupted protein product. Loss-of-function variants in VLDLR are known to be pathogenic (PMID: 18043714, 18326629, 22532556). This variant is not present in population databases (gnomAD no frequency). This variant has not been reported in the literature in individuals affected with VLDLR-related conditions. For these reasons, this variant has been classified as Pathogenic.

Literature cited by the submitters: PubMed 18043714; PubMed 18326629; PubMed 22532556.

NM_003383.5(VLDLR):c.2220C>A (p.Tyr740Ter)

Gene: VLDLR (very low density lipoprotein receptor; plus strand). Cytogenetic location: 9p24.2.
Variant type: single nucleotide variant.
Coding change: c.2220C>A on transcript NM_003383.5 (MANE Select); coding-DNA position 2220, C replaced by A.
Protein change: p.Tyr740Ter; replaces tyrosine 740 with a stop codon.
Molecular consequence: nonsense.
Genome position (GRCh38, 1-based): chr9:2,650,485, C>A. VCF-style: chr9-2650485-C-A. GRCh37 (hg19) VCF-style: chr9-2650485-C-A.
Other names: c.2220C>A, p.Tyr740Ter (NM_001018056.3); c.2097C>A, p.Tyr699Ter (NM_001322225.2, NM_001322226.2); short protein forms Y740*, Y699*.
Identifiers: ClinVar variation 2838121 (VCV002838121.3), dbSNP rs2488742409, ClinGen allele CA372800460.